The following is an entry in ClinVar:

NM_178125.3(TRIM50):c.1224C>T (p.Ala408=)

Gene: TRIM50 (tripartite motif containing 50; minus strand). Cytogenetic location: 7q11.23.
Variant type: single nucleotide variant.
Coding change: c.1224C>T on transcript NM_178125.3 (MANE Select); coding-DNA position 1224, C replaced by T.
Protein change: p.Ala408=; no amino-acid change (alanine 408 retained).
Molecular consequence: synonymous variant.
Genome position (GRCh38, 1-based): chr7:73,313,161, G>A on the plus strand (C>T on the coding strand, the complement: TRIM50 is on the minus strand). VCF-style: chr7-73313161-G-A. GRCh37 (hg19) VCF-style: chr7-72727157-G-A.
Other names: c.1221C>T, p.Ala407= (NM_001281450.1); c.1224C>T, p.Ala408= (NM_001281451.1).
Identifiers: ClinVar variation 2657549 (VCV002657549.24), dbSNP rs200220785, ClinGen allele CA4286077.

ClinVar aggregate classification (germline): Likely benign (1 of 4 stars; one submission).

Allele frequency attached by ClinVar (database versions not stated): TOPMed 0.00043; gnomAD 0.00048; 1000 Genomes Project 30x 0.00109; ExAC 0.00113; 1000 Genomes Project 0.00140.
gnomAD v4.1: 355 of 1,588,176 alleles (0.022%); highest among the groups gnomAD compares: East Asian, 0.53%; 3 homozygotes.

Submission:

CeGaT Center for Human Genetics Tuebingen
Classification: Likely benign. Last evaluated: 2023-03-01. Review status: criteria provided, single submitter. Criteria: CeGaT Center For Human Genetics Tuebingen Variant Classification Criteria Version 2. Collection method: clinical testing. Allele origin: germline. Affected: yes. Observed: 1 variant allele.
Comment: TRIM50: BP4, BP7